The following is an entry in ClinVar:

ClinVar aggregate classification (germline): Conflicting classifications of pathogenicity. Review status: criteria provided, conflicting classifications (1 of 4 stars). 4 submissions from 4 submitters: Uncertain significance (1); Likely benign (2). 1 of the submissions does not count toward it. Last evaluated 2026-01-20.

Conditions:
Microcephalic osteodysplastic primordial dwarfism type II (MOPD2). Also called: Microcephalic osteodysplastic primordial dwarfism with tooth abnormalities; MOPD II; OSTEODYSPLASTIC PRIMORDIAL DWARFISM, TYPE II. Identifiers: Orphanet 2637, MedGen C0432246, MONDO:0008872, OMIM 210720.
PCNT-related disorder. Also called: PCNT-related condition.

Allele frequency attached by ClinVar (database versions not stated): ExAC 0.00009; gnomAD exomes 0.00012; ESP Exome Variant Server 0.00015; gnomAD 0.00026 and 0.00028; TOPMed 0.00028; 1000 Genomes Project 0.00040; 1000 Genomes Project 30x 0.00047.
gnomAD v4.1: 153 of 1,613,720 alleles (0.0095%); highest among the groups gnomAD compares: African/African-American, 0.097%; no homozygotes.

Submissions (4):

Labcorp Genetics (formerly Invitae), Labcorp
Classification: Likely benign. Last evaluated: 2026-01-20. Review status: criteria provided, single submitter. Criteria: Invitae Variant Classification Sherloc (09022015). Collection method: clinical testing. Allele origin: germline.

Blueprint Genetics
Classification: Likely benign. Last evaluated: 2023-08-11. Review status: criteria provided, single submitter. Criteria: ACMG Guidelines, 2015. Collection method: clinical testing. Allele origin: germline.

Illumina Laboratory Services, Illumina
Classification: Uncertain significance for Microcephalic osteodysplastic primordial dwarfism type II. Last evaluated: 2018-01-12. Review status: criteria provided, single submitter. Criteria: ICSL Variant Classification Criteria 13 December 2019. Collection method: clinical testing. Allele origin: germline.

PreventionGenetics, part of Exact Sciences
Classification: Likely benign for PCNT-related condition. Last evaluated: 2021-06-21. Review status: no assertion criteria provided. Collection method: clinical testing. Allele origin: germline. Not counted in ClinVar's aggregate classification.
Comment: This variant is classified as likely benign based on ACMG/AMP sequence variant interpretation guidelines (Richards et al. 2015 PMID: 25741868, with internal and published modifications).

NM_006031.6(PCNT):c.7224G>A (p.Ala2408=)

Gene: PCNT (pericentrin; plus strand). Cytogenetic location: 21q22.3.
Variant type: single nucleotide variant.
Coding change: c.7224G>A on transcript NM_006031.6 (MANE Select); coding-DNA position 7224, G replaced by A.
Protein change: p.Ala2408=; no amino-acid change (alanine 2408 retained).
Molecular consequence: synonymous variant.
Genome position (GRCh38, 1-based): chr21:46,425,875, G>A. VCF-style: chr21-46425875-G-A. GRCh37 (hg19) VCF-style: chr21-47845789-G-A.
Other names: c.6870G>A, p.Ala2290= (NM_001315529.2).
Identifiers: ClinVar variation 895831 (VCV000895831.11), dbSNP rs140912550, ClinGen allele CA10080576.